The following is an entry in ClinVar:

NM_000238.4(KCNH2):c.1946-5C>T

Gene: KCNH2 (potassium voltage-gated channel subfamily H member 2; minus strand). Cytogenetic location: 7q36.1.
Variant type: single nucleotide variant.
Coding change: c.1946-5C>T on transcript NM_000238.4 (MANE Select); 5 bases into the intron before coding-DNA position 1946, C replaced by T.
Molecular consequence: intron variant.
Genome position (GRCh38, 1-based): chr7:150,951,125, G>A on the plus strand (C>T on the coding strand, the complement: KCNH2 is on the minus strand). VCF-style: chr7-150951125-G-A. GRCh37 (hg19) VCF-style: chr7-150648213-G-A.
Other names: c.1658-5C>T (NM_001406753.1, NM_001406756.1); c.926-5C>T (NM_172057.3, NM_001204798.2); c.1946-5C>T (NM_172056.3); c.1769-5C>T (NM_001406755.1); c.1646-5C>T (NM_001406757.1).
Identifiers: ClinVar variation 1783125 (VCV001783125.6), dbSNP rs776736691, ClinGen allele CA030187.
Genomic context (GRCh38, chr7:150,951,125, plus strand): 5'-GTACAGCCGCTGGATGATGGCCGACACGTTGCCGAAGATGCTAGCATACATGAGGGCTGG[G>A]GGCGTGGGCACGTGGGGCCGTCAGCCTCTGCAGGGACCCCACCCACCCACAGGGACCCTG-3'

ClinVar aggregate classification (germline): Conflicting classifications of pathogenicity. Review status: criteria provided, conflicting classifications (1 of 4 stars). 3 submissions from 3 submitters: Uncertain significance (1); Likely benign (2). Last evaluated 2025-08-09.

Conditions:
Long QT syndrome (LQTS). Identifiers: MedGen C0023976, MeSH D008133, MONDO:0002442. Disease mechanism: loss of function. Inheritance: Various modes of inheritance.
Cardiac arrhythmia. Also called: Arrhythmia; Cardiac rhythm disease. Identifiers: MedGen C0003811, MONDO:0007263, HP:0011675.
Cardiovascular phenotype. Identifiers: MedGen CN230736.

Allele frequency attached by ClinVar (database versions not stated): gnomAD 0.00001; TOPMed 0.00001; gnomAD exomes below 0.00001; ExAC 0.00001.
gnomAD v4.1: 5 of 1,598,270 alleles (0.00031%); highest among the groups gnomAD compares: East Asian, 0.0022%; no homozygotes.

Submissions (3):

Labcorp Genetics (formerly Invitae), Labcorp
Classification: Likely benign for Long QT syndrome. Last evaluated: 2025-08-09. Review status: criteria provided, single submitter. Criteria: Invitae Variant Classification Sherloc (09022015). Collection method: clinical testing. Allele origin: germline.

Color Diagnostics, LLC DBA Color Health
Classification: Likely benign for Cardiac arrhythmia. Last evaluated: 2025-07-09. Review status: criteria provided, single submitter. Criteria: ACMG Guidelines, 2015. Collection method: clinical testing. Allele origin: germline.

Ambry Genetics
Classification: Uncertain significance for Cardiovascular phenotype. Last evaluated: 2021-03-17. Review status: criteria provided, single submitter. Criteria: Ambry Variant Classification Scheme 2023. Collection method: clinical testing. Allele origin: germline.
Comment: The c.1946-5C>T intronic variant results from a C to T substitution 5 nucleotides upstream from coding exon 8 in the KCNH2 gene. This nucleotide position is highly conserved in available vertebrate species. In silico splice site analysis predicts that this alteration will not have any significant effect on splicing. Since supporting evidence is limited at this time, the clinical significance of this alteration remains unclear.